The following is an entry in ClinVar:

NM_006767.4(LZTR1):c.1331A>T (p.Asp444Val)

Gene: LZTR1 (leucine zipper like post translational regulator 1; plus strand). Cytogenetic location: 22q11.21.
Variant type: single nucleotide variant.
Coding change: c.1331A>T on transcript NM_006767.4 (MANE Select); coding-DNA position 1331, A replaced by T.
Protein change: p.Asp444Val; replaces aspartic acid 444 with valine.
Molecular consequence: missense variant.
Genome position (GRCh38, 1-based): chr22:20,993,732, A>T. VCF-style: chr22-20993732-A-T. GRCh37 (hg19) VCF-style: chr22-21348021-A-T.
Other names: short protein forms D444V.
Identifiers: ClinVar variation 3238060 (VCV003238060.1), dbSNP rs1165976665.

ClinVar aggregate classification (germline): Uncertain significance (1 of 4 stars; one submission).

Conditions:
Hereditary cancer-predisposing syndrome. Also called: Neoplastic Syndromes, Hereditary; Tumor predisposition; Hereditary neoplastic syndrome; Hereditary Cancer Syndrome. Identifiers: Orphanet 140162, MedGen C0027672, MeSH D009386, MONDO:0015356.
Cardiovascular phenotype. Identifiers: MedGen CN230736.

Allele frequency attached by ClinVar (database versions not stated): TOPMed below 0.00001; gnomAD 0.00001.
gnomAD v4.1: 1 of 1,613,284 alleles (0.000062%); highest among the groups gnomAD compares: Non-Finnish European, 0.000085%; no homozygotes.

Submission:

Ambry Genetics
Classification: Uncertain significance for Cardiovascular phenotype; Hereditary cancer-predisposing syndrome. Last evaluated: 2023-04-08. Review status: criteria provided, single submitter. Criteria: Ambry Variant Classification Scheme 2023. Collection method: clinical testing. Allele origin: germline.
Comment: The p.D444V variant (also known as c.1331A>T), located in coding exon 12 of the LZTR1 gene, results from an A to T substitution at nucleotide position 1331. The aspartic acid at codon 444 is replaced by valine, an amino acid with highly dissimilar properties. This amino acid position is conserved. In addition, this alteration is predicted to be deleterious by in silico analysis. Since supporting evidence is limited at this time, the clinical significance of this alteration remains unclear.